The following is an entry in ClinVar:

NM_006662.3(SRCAP):c.1720G>A (p.Gly574Arg)

Gene: SRCAP (Snf2 related CREBBP activator protein; plus strand). Cytogenetic location: 16p11.2.
Variant type: single nucleotide variant.
Coding change: c.1720G>A on transcript NM_006662.3 (MANE Select); coding-DNA position 1720, G replaced by A.
Protein change: p.Gly574Arg; replaces glycine 574 with arginine.
Molecular consequence: missense variant.
Genome position (GRCh38, 1-based): chr16:30,712,062, G>A. VCF-style: chr16-30712062-G-A. GRCh37 (hg19) VCF-style: chr16-30723383-G-A.
Other names: c.1720G>A (NM_006662.2); short protein forms G574R.
Identifiers: ClinVar variation 3678672 (VCV003678672.3).

ClinVar aggregate classification (germline): Uncertain significance. Review status: criteria provided, multiple submitters, no conflicts (2 of 4 stars). 2 submissions from 2 submitters: Uncertain significance (2). Last evaluated 2025-10-18.

Conditions:
Inborn genetic diseases. Identifiers: MedGen C0950123, MeSH D030342.

Submissions (2):

Ambry Genetics
Classification: Uncertain significance for Inborn genetic diseases. Last evaluated: 2025-10-18. Review status: criteria provided, single submitter. Criteria: Ambry Variant Classification Scheme 2023. Collection method: clinical testing. Allele origin: germline.

Labcorp Genetics (formerly Invitae), Labcorp
Classification: Uncertain significance. Last evaluated: 2024-09-24. Review status: criteria provided, single submitter. Criteria: Invitae Variant Classification Sherloc (09022015). Collection method: clinical testing. Allele origin: germline.
Comment: This sequence change replaces glycine, which is neutral and non-polar, with arginine, which is basic and polar, at codon 574 of the SRCAP protein (p.Gly574Arg). This variant is not present in population databases (gnomAD no frequency). This variant has not been reported in the literature in individuals affected with SRCAP-related conditions. Invitae Evidence Modeling of protein sequence and biophysical properties (such as structural, functional, and spatial information, amino acid conservation, physicochemical variation, residue mobility, and thermodynamic stability) indicates that this missense variant is not expected to disrupt SRCAP protein function with a negative predictive value of 80%. In summary, the available evidence is currently insufficient to determine the role of this variant in disease. Therefore, it has been classified as a Variant of Uncertain Significance.